The following is an entry in ClinVar:

ClinVar aggregate classification (germline): Conflicting classifications of pathogenicity. Review status: criteria provided, conflicting classifications (1 of 4 stars). 2 submissions from 2 submitters: Uncertain significance (1); Likely benign (1). Last evaluated 2025-12-28.

Conditions:
Hereditary cancer-predisposing syndrome. Also called: Neoplastic Syndromes, Hereditary; Tumor predisposition; Hereditary Cancer Syndrome; Hereditary neoplastic syndrome. Identifiers: Orphanet 140162, MedGen C0027672, MeSH D009386, MONDO:0015356.

Allele frequency attached by ClinVar (database versions not stated): gnomAD 0.00001; gnomAD exomes 0.00002 and 0.00003; TOPMed 0.00002; ExAC 0.00003.
gnomAD v4.1: 27 of 1,613,258 alleles (0.0017%); highest among the groups gnomAD compares: South Asian, 0.0044%; no homozygotes.

Submissions (2):

Labcorp Genetics (formerly Invitae), Labcorp
Classification: Uncertain significance. Last evaluated: 2025-12-28. Review status: criteria provided, single submitter. Criteria: Invitae Variant Classification Sherloc (09022015). Collection method: clinical testing. Allele origin: germline.
Comment: This sequence change replaces alanine, which is neutral and non-polar, with serine, which is neutral and polar, at codon 29 of the HOXB13 protein (p.Ala29Ser). This variant is present in population databases (rs756970136, gnomAD 0.01%). This variant has not been reported in the literature in individuals affected with HOXB13-related conditions. ClinVar contains an entry for this variant (Variation ID: 483474). An algorithm developed to predict the effect of missense changes on protein structure and function outputs the following: PolyPhen-2: "Benign". The serine amino acid residue is found in multiple mammalian species, which suggests that this missense change does not adversely affect protein function. In summary, the available evidence is currently insufficient to determine the role of this variant in disease. Therefore, it has been classified as a Variant of Uncertain Significance.

Ambry Genetics
Classification: Likely benign for Hereditary cancer-predisposing syndrome. Last evaluated: 2024-10-04. Review status: criteria provided, single submitter. Criteria: Ambry Variant Classification Scheme 2023. Collection method: clinical testing. Allele origin: germline.

Literature cited by the submitters: PubMed 28272408 (cited by Ambry Genetics).

NM_006361.6(HOXB13):c.85G>T (p.Ala29Ser)

Gene: HOXB13 (homeobox B13; minus strand). Cytogenetic location: 17q21.32.
Variant type: single nucleotide variant.
Coding change: c.85G>T on transcript NM_006361.6 (MANE Select); coding-DNA position 85, G replaced by T.
Protein change: p.Ala29Ser; replaces alanine 29 with serine.
Molecular consequence: missense variant.
Genome position (GRCh38, 1-based): chr17:48,728,509, C>A on the plus strand (G>T on the coding strand, the complement: HOXB13 is on the minus strand). VCF-style: chr17-48728509-C-A. GRCh37 (hg19) VCF-style: chr17-46805871-C-A.
Other names: short protein forms A29S.
Identifiers: ClinVar variation 483474 (VCV000483474.13), dbSNP rs756970136, ClinGen allele CA8634068.
Genomic context (GRCh38, chr17:48,728,509, plus strand): 5'-CATAGTTGACAGCAGGCATCAGCGTAGGCGCCGCTGGGTGGCTGGTCAGAGGGGAGTGGG[C>A]GACCAGATTCCGCCCCCCTCCCGCTCCCAGCAAGCCTTCGATATCCTTGGCTCCATCCAA-3'
Protein context (NP_006352.2, residues 19-39): LGAGGGRNLV[Ala29Ser]HSPLTSHPAA